The following is an entry in ClinVar:

NM_001792.5(CDH2):c.1708A>G (p.Ile570Val)

Gene: CDH2 (cadherin 2; minus strand). Cytogenetic location: 18q12.1.
Variant type: single nucleotide variant.
Coding change: c.1708A>G on transcript NM_001792.5 (MANE Select); coding-DNA position 1708, A replaced by G.
Protein change: p.Ile570Val; replaces isoleucine 570 with valine.
Molecular consequence: missense variant.
Genome position (GRCh38, 1-based): chr18:27,988,557, T>C on the plus strand (A>G on the coding strand, the complement: CDH2 is on the minus strand). VCF-style: chr18-27988557-T-C. GRCh37 (hg19) VCF-style: chr18-25568521-T-C.
Other names: c.1615A>G, p.Ile539Val (NM_001308176.2); short protein forms I539V, I570V.
Identifiers: ClinVar variation 1351011 (VCV001351011.10), dbSNP rs1228402305, ClinGen allele CA402107839.
Genomic context (GRCh38, chr18:27,988,557, plus strand): 5'-ACATACAAGAAAAAACAGCGAACATACCATTGTCAGAAGCAAGGAAAGTAGCATTATATA[T>C]ATTGTTTTTCACATTTGGTGATTCTCGGTCCAAAACAGCAATTGTAGTTATTTGTCCATT-3'
Protein context (NP_001783.2, residues 560-580): DRESPNVKNN[Ile570Val]YNATFLASDN

ClinVar aggregate classification (germline): Uncertain significance. Review status: criteria provided, multiple submitters, no conflicts (2 of 4 stars). 2 submissions from 2 submitters: Uncertain significance (2). Last evaluated 2025-08-06.

Conditions:
Inborn genetic diseases. Identifiers: MedGen C0950123, MeSH D030342.

Allele frequency attached by ClinVar (database versions not stated): gnomAD exomes below 0.00001; gnomAD 0.00001; TOPMed 0.00001.
gnomAD v4.1: 3 of 1,613,148 alleles (0.00019%); highest among the groups gnomAD compares: Admixed American, 0.0033%; no homozygotes.

Submissions (2):

Labcorp Genetics (formerly Invitae), Labcorp
Classification: Uncertain significance. Last evaluated: 2025-08-06. Review status: criteria provided, single submitter. Criteria: Invitae Variant Classification Sherloc (09022015). Collection method: clinical testing. Allele origin: germline.
Comment: This sequence change replaces isoleucine, which is neutral and non-polar, with valine, which is neutral and non-polar, at codon 570 of the CDH2 protein (p.Ile570Val). This variant is present in population databases (no rsID available, gnomAD 0.003%). This variant has not been reported in the literature in individuals affected with CDH2-related conditions. ClinVar contains an entry for this variant (Variation ID: 1351011). An algorithm developed to predict the effect of missense changes on protein structure and function outputs the following: PolyPhen-2: "Benign". The valine amino acid residue is found in multiple mammalian species, which suggests that this missense change does not adversely affect protein function. In summary, the available evidence is currently insufficient to determine the role of this variant in disease. Therefore, it has been classified as a Variant of Uncertain Significance.

Ambry Genetics
Classification: Uncertain significance for Inborn genetic diseases. Last evaluated: 2021-12-29. Review status: criteria provided, single submitter. Criteria: Ambry Variant Classification Scheme 2023. Collection method: clinical testing. Allele origin: germline.
Comment: The p.I570V variant (also known as c.1708A>G), located in coding exon 11 of the CDH2 gene, results from an A to G substitution at nucleotide position 1708. The isoleucine at codon 570 is replaced by valine, an amino acid with highly similar properties. This amino acid position is conserved. In addition, this alteration is predicted to be tolerated by in silico analysis. Since supporting evidence is limited at this time, the clinical significance of this alteration remains unclear.